The following is an entry in ClinVar:

ClinVar aggregate classification (germline): Uncertain significance (1 of 4 stars; one submission).

Allele frequency attached by ClinVar (database versions not stated): gnomAD exomes below 0.00001.
gnomAD v4.1: 1 of 1,614,150 alleles (0.000062%); highest among the groups gnomAD compares: Non-Finnish European, 0.000085%; no homozygotes.

Submission:

Labcorp Genetics (formerly Invitae), Labcorp
Classification: Uncertain significance. Last evaluated: 2022-11-08. Review status: criteria provided, single submitter. Criteria: Invitae Variant Classification Sherloc (09022015). Collection method: clinical testing. Allele origin: germline.
Comment: This variant has not been reported in the literature in individuals affected with EGF-related conditions. Algorithms developed to predict the effect of missense changes on protein structure and function output the following: SIFT: "Not Available"; PolyPhen-2: "Benign"; Align-GVGD: "Not Available". The arginine amino acid residue is found in multiple mammalian species, which suggests that this missense change does not adversely affect protein function. In summary, the available evidence is currently insufficient to determine the role of this variant in disease. Therefore, it has been classified as a Variant of Uncertain Significance. This sequence change replaces methionine, which is neutral and non-polar, with arginine, which is basic and polar, at codon 772 of the EGF protein (p.Met772Arg). This variant is not present in population databases (gnomAD no frequency).

NM_001963.6(EGF):c.2315T>G (p.Met772Arg)

Genes: EGF (epidermal growth factor; plus strand), LOC126807134 (BRD4-independent group 4 enhancer GRCh37_chr4:110900995-110902194; plus strand). Cytogenetic location: 4q25.
Variant type: single nucleotide variant.
Coding change: c.2315T>G on transcript NM_001963.6 (MANE Select); coding-DNA position 2315, T replaced by G.
Protein change: p.Met772Arg; replaces methionine 772 with arginine.
Molecular consequence: missense variant.
Genome position (GRCh38, 1-based): chr4:109,980,919, T>G. VCF-style: chr4-109980919-T-G. GRCh37 (hg19) VCF-style: chr4-110902075-T-G.
Other names: c.2315T>G, p.Met772Arg (NM_001178130.3); c.2189T>G, p.Met730Arg (NM_001178131.3, NM_001357021.2); short protein forms M730R, M772R.
Identifiers: ClinVar variation 1925654 (VCV001925654.5), dbSNP rs1749263129, ClinGen allele CA357885062.